The following is an entry in ClinVar:

NM_001377540.1(SLMAP):c.2362A>T (p.Thr788Ser)

Gene: SLMAP (sarcolemma associated protein; plus strand). Cytogenetic location: 3p14.3.
Variant type: single nucleotide variant.
Coding change: c.2362A>T on transcript NM_001377540.1 (MANE Select); coding-DNA position 2362, A replaced by T.
Protein change: p.Thr788Ser; replaces threonine 788 with serine.
Molecular consequence: missense variant. On other transcripts: non-coding transcript variant (1).
Genome position (GRCh38, 1-based): chr3:57,922,940, A>T. VCF-style: chr3-57922940-A-T. GRCh37 (hg19) VCF-style: chr3-57908667-A-T.
Other names: c.2311A>T, p.Thr771Ser (NM_001304420.3, NM_001377541.1, NM_001377542.1); c.2197A>T, p.Thr733Ser (NM_001304421.2, NM_001377557.1, NM_001377559.1); c.913A>T, p.Thr305Ser (NM_001304422.3, NM_001311178.2); c.715A>T, p.Thr239Ser (NM_001304423.3); c.2383A>T, p.Thr795Ser (NM_001377538.1); c.2362A>T, p.Thr788Ser (NM_001377539.1); c.2299A>T, p.Thr767Ser (NM_001377545.1); c.2260A>T, p.Thr754Ser (NM_001377549.1, NM_007159.5); and 8 more; short protein forms T239S, T264S, T709S, T726S, T733S, T750S, T788S, T795S.
Identifiers: ClinVar variation 1788625 (VCV001788625.8), dbSNP rs761914364, ClinGen allele CA2467367.
Genomic context (GRCh38, chr3:57,922,940, plus strand): 5'-TGCCTTTAGTATGAAAAGACACAGACTGTACTCTCAGAACTGAAGTTGAAGTTTGAAATG[A>T]CTGAGCAGGAAAAGCAGTCAATCACAGATGAGCTCAAACAGTGTAAAAACAACCTGAAGC-3'
Protein context (NP_001364469.1, residues 778-798): LSELKLKFEM[Thr788Ser]EQEKQSITDE

ClinVar aggregate classification (germline): Uncertain significance. Review status: criteria provided, multiple submitters, no conflicts (2 of 4 stars). 2 submissions from 2 submitters: Uncertain significance (2). Last evaluated 2024-10-08.

Conditions:
Brugada syndrome. Also called: Sudden unexpected nocturnal death syndrome; Sudden unexplained nocturnal death syndrome; Sudden Unexplained Death Syndrome; Sudden Unexplained Nocturnal Death Syndrome (SUNDS). Identifiers: Orphanet 130, MedGen C1142166, MONDO:0015263.

Allele frequency attached by ClinVar (database versions not stated): gnomAD exomes below 0.00001; ExAC 0.00001; TOPMed 0.00001; gnomAD 0.00002.
gnomAD v4.1: 5 of 1,613,724 alleles (0.00031%); highest among the groups gnomAD compares: African/African-American, 0.0067%; no homozygotes.

Submissions (2):

Ambry Genetics
Classification: Uncertain significance. Last evaluated: 2024-10-08. Review status: criteria provided, single submitter. Criteria: Ambry Variant Classification Scheme 2023. Collection method: clinical testing. Allele origin: germline.
Comment: The p.T754S variant (also known as c.2260A>T), located in coding exon 20 of the SLMAP gene, results from an A to T substitution at nucleotide position 2260. The threonine at codon 754 is replaced by serine, an amino acid with similar properties. This amino acid position is conserved. In addition, this alteration is predicted to be tolerated by in silico analysis. Since supporting evidence is limited at this time, the clinical significance of this alteration remains unclear.

Labcorp Genetics (formerly Invitae), Labcorp
Classification: Uncertain significance for Brugada syndrome. Last evaluated: 2023-04-10. Review status: criteria provided, single submitter. Criteria: Invitae Variant Classification Sherloc (09022015). Collection method: clinical testing. Allele origin: germline.
Comment: An algorithm developed to predict the effect of missense changes on protein structure and function (PolyPhen-2) suggests that this variant is likely to be tolerated. In summary, the available evidence is currently insufficient to determine the role of this variant in disease. Therefore, it has been classified as a Variant of Uncertain Significance. ClinVar contains an entry for this variant (Variation ID: 1788625). This variant has not been reported in the literature in individuals affected with SLMAP-related conditions. This variant is present in population databases (rs761914364, gnomAD 0.008%). This sequence change replaces threonine, which is neutral and polar, with serine, which is neutral and polar, at codon 754 of the SLMAP protein (p.Thr754Ser).